The following is an entry in ClinVar:

NM_052947.4(ALPK2):c.5707G>A (p.Asp1903Asn)

Gene: ALPK2 (alpha kinase 2; minus strand). Cytogenetic location: 18q21.31.
Variant type: single nucleotide variant.
Coding change: c.5707G>A on transcript NM_052947.4 (MANE Select); coding-DNA position 5707, G replaced by A.
Protein change: p.Asp1903Asn; replaces aspartic acid 1903 with asparagine.
Molecular consequence: missense variant.
Genome position (GRCh38, 1-based): chr18:58,517,141, C>T on the plus strand (G>A on the coding strand, the complement: ALPK2 is on the minus strand). VCF-style: chr18-58517141-C-T. GRCh37 (hg19) VCF-style: chr18-56184373-C-T.
Other names: short protein forms D1903N.
Identifiers: ClinVar variation 3290474 (VCV003290474.1).

ClinVar aggregate classification (germline): Uncertain significance (1 of 4 stars; one submission).

Submission:

Ambry Genetics
Classification: Uncertain significance. Last evaluated: 2024-05-21. Review status: criteria provided, single submitter. Criteria: Ambry Variant Classification Scheme 2023. Collection method: clinical testing. Allele origin: germline.
Comment: The p.D1903N variant (also known as c.5707G>A), located in coding exon 8 of the ALPK2 gene, results from a G to A substitution at nucleotide position 5707. The aspartic acid at codon 1903 is replaced by asparagine, an amino acid with highly similar properties. This amino acid position is conserved. In addition, this alteration is predicted to be tolerated by in silico analysis. Based on the available evidence, the clinical significance of this variant remains unclear.